The following is an entry in ClinVar:

NM_005591.4(MRE11):c.875G>A (p.Arg292Lys)

Gene: MRE11 (MRE11 double strand break repair nuclease; minus strand). Cytogenetic location: 11q21.
Variant type: single nucleotide variant.
Coding change: c.875G>A on transcript NM_005591.4 (MANE Select); coding-DNA position 875, G replaced by A.
Protein change: p.Arg292Lys; replaces arginine 292 with lysine.
Molecular consequence: missense variant.
Genome position (GRCh38, 1-based): chr11:94,470,613, C>T on the plus strand (G>A on the coding strand, the complement: MRE11 is on the minus strand). VCF-style: chr11-94470613-C-T. GRCh37 (hg19) VCF-style: chr11-94203779-C-T.
Other names: c.875G>A, p.Arg292Lys (NM_001330347.2, NM_005590.4); short protein forms R292K.
Identifiers: ClinVar variation 2560919 (VCV002560919.2), dbSNP rs1689706955, ClinGen allele CA382374728.

ClinVar aggregate classification (germline): Uncertain significance (1 of 4 stars; one submission).

Conditions:
Hereditary cancer-predisposing syndrome. Also called: Neoplastic Syndromes, Hereditary; Hereditary Cancer Syndrome; Hereditary neoplastic syndrome; Tumor predisposition. Identifiers: Orphanet 140162, MedGen C0027672, MeSH D009386, MONDO:0015356.

Allele frequency attached by ClinVar (database versions not stated): TOPMed below 0.00001; gnomAD 0.00001.
gnomAD v4.1: 2 of 1,612,968 alleles (0.00012%); highest among the groups gnomAD compares: African/African-American, 0.0027%; no homozygotes.

Submission:

Ambry Genetics
Classification: Uncertain significance for Hereditary cancer-predisposing syndrome. Last evaluated: 2023-04-19. Review status: criteria provided, single submitter. Criteria: Ambry Variant Classification Scheme 2023. Collection method: clinical testing. Allele origin: germline.
Comment: The p.R292K variant (also known as c.875G>A), located in coding exon 8 of the MRE11A gene, results from a G to A substitution at nucleotide position 875. The arginine at codon 292 is replaced by lysine, an amino acid with highly similar properties. This amino acid position is conserved. In addition, this alteration is predicted to be tolerated by in silico analysis. Since supporting evidence is limited at this time, the clinical significance of this alteration remains unclear.